The following is an entry in ClinVar:

ClinVar aggregate classification (germline): Uncertain significance. Review status: criteria provided, multiple submitters, no conflicts (2 of 4 stars). 2 submissions from 2 submitters: Uncertain significance (2). Last evaluated 2026-08-16.

Conditions:
Inborn genetic diseases. Identifiers: MedGen C0950123, MeSH D030342.
Fanconi anemia (FA). Also called: Fanconi's anemia. Identifiers: Orphanet 84, MedGen C0015625, MeSH D005199, MONDO:0019391.

Submissions (2):

Ambry Genetics
Classification: Uncertain significance for Inborn genetic diseases. Last evaluated: 2026-08-16. Review status: criteria provided, single submitter. Criteria: Ambry Variant Classification Scheme 2023. Collection method: clinical testing. Allele origin: germline.
Comment: The p.A1066G variant (also known as c.3197C>G), located in coding exon 32 of the FANCA gene, results from a C to G substitution at nucleotide position 3197. The alanine at codon 1066 is replaced by glycine, an amino acid with similar properties. This amino acid position is conserved. In addition, this alteration is predicted to be tolerated by in silico analysis. Based on the available evidence, the clinical significance of this variant remains unclear.

Labcorp Genetics (formerly Invitae), Labcorp
Classification: Uncertain significance for Fanconi anemia. Last evaluated: 2021-06-05. Review status: criteria provided, single submitter. Criteria: Invitae Variant Classification Sherloc (09022015). Collection method: clinical testing. Allele origin: germline.
Comment: This sequence change replaces alanine with glycine at codon 1066 of the FANCA protein (p.Ala1066Gly). The alanine residue is moderately conserved and there is a small physicochemical difference between alanine and glycine. This variant is not present in population databases (ExAC no frequency). This variant has not been reported in the literature in individuals with FANCA-related conditions. Algorithms developed to predict the effect of missense changes on protein structure and function output the following: SIFT: "Tolerated"; PolyPhen-2: "Benign"; Align-GVGD: "Class C0". The glycine amino acid residue is found in multiple mammalian species, suggesting that this missense change does not adversely affect protein function. These predictions have not been confirmed by published functional studies and their clinical significance is uncertain. In summary, the available evidence is currently insufficient to determine the role of this variant in disease. Therefore, it has been classified as a Variant of Uncertain Significance.

NM_000135.4(FANCA):c.3197C>G (p.Ala1066Gly)

Gene: FANCA (FA complementation group A; minus strand). Cytogenetic location: 16q24.3.
Variant type: single nucleotide variant.
Coding change: c.3197C>G on transcript NM_000135.4 (MANE Select); coding-DNA position 3197, C replaced by G.
Protein change: p.Ala1066Gly; replaces alanine 1066 with glycine.
Molecular consequence: missense variant.
Genome position (GRCh38, 1-based): chr16:89,749,772, G>C on the plus strand (C>G on the coding strand, the complement: FANCA is on the minus strand). VCF-style: chr16-89749772-G-C. GRCh37 (hg19) VCF-style: chr16-89816180-G-C.
Other names: c.3197C>G, p.Ala1066Gly (NM_001286167.3); c.3197C>G (NM_000135.2); short protein forms A1066G.
Identifiers: ClinVar variation 1384883 (VCV001384883.9), dbSNP rs1419279017, ClinGen allele CA397486504.